The following is an entry in ClinVar:

NM_001368809.2(AMPD2):c.1745A>G (p.His582Arg)

Gene: AMPD2 (adenosine monophosphate deaminase 2; plus strand). Cytogenetic location: 1p13.3.
Variant type: single nucleotide variant.
Coding change: c.1745A>G on transcript NM_001368809.2 (MANE Select); coding-DNA position 1745, A replaced by G.
Protein change: p.His582Arg; replaces histidine 582 with arginine.
Molecular consequence: missense variant.
Genome position (GRCh38, 1-based): chr1:109,629,373, A>G. VCF-style: chr1-109629373-A-G. GRCh37 (hg19) VCF-style: chr1-110171995-A-G.
Other names: c.1553A>G, p.His518Arg (NM_001257361.2); c.1682A>G, p.His561Arg (NM_001308170.1); c.1745A>G, p.His582Arg (NM_004037.9); c.1664A>G, p.His555Arg (NM_139156.4); c.1907A>G (NM_001257360.1, NM_004037.6); short protein forms H518R, H582R, H555R, H561R.
Identifiers: ClinVar variation 1370158 (VCV001370158.7), dbSNP rs539379857, ClinGen allele CA993183.
Genomic context (GRCh38, chr1:109,629,373, plus strand): 5'-GGGTTCTGTATTAGGTGGATGGTTTTGACAGCGTGGATGATGAGTCCAAGCCTGAAAACC[A>G]TGTCTTCAACCTGGAGAGCCCCCTGCCTGAGGCGTGGGTGGAGGAGGACAACCCACCCTA-3'
Protein context (NP_001355738.1, residues 572-592): SVDDESKPEN[His582Arg]VFNLESPLPE

ClinVar aggregate classification (germline): Uncertain significance. Review status: criteria provided, multiple submitters, no conflicts (2 of 4 stars). 3 submissions from 3 submitters: Uncertain significance (3). Last evaluated 2025-08-13.

Conditions:
Pontocerebellar hypoplasia type 9. Identifiers: Orphanet 369920, MedGen C4014354, MONDO:0014351, OMIM 615809.
Hereditary spastic paraplegia 63. Also called: Spastic paraplegia 63, autosomal recessive. Identifiers: Orphanet 401805, MedGen C3810295, MONDO:0014305, OMIM 615686.
Inborn genetic diseases. Identifiers: MedGen C0950123, MeSH D030342.

Allele frequency attached by ClinVar (database versions not stated): gnomAD exomes below 0.00001 and 0.00001; ExAC 0.00001; 1000 Genomes Project 0.00020; gnomAD 0.00001; 1000 Genomes Project 30x 0.00016; TOPMed 0.00001.

Submissions (3):

Ambry Genetics
Classification: Uncertain significance for Inborn genetic diseases. Last evaluated: 2025-08-13. Review status: criteria provided, single submitter. Criteria: Ambry Variant Classification Scheme 2023. Collection method: clinical testing. Allele origin: germline.

Labcorp Genetics (formerly Invitae), Labcorp
Classification: Uncertain significance for Pontocerebellar hypoplasia type 9; Hereditary spastic paraplegia 63. Last evaluated: 2025-03-10. Review status: criteria provided, single submitter. Criteria: Invitae Variant Classification Sherloc (09022015). Collection method: clinical testing. Allele origin: germline.
Comment: This sequence change replaces histidine, which is basic and polar, with arginine, which is basic and polar, at codon 636 of the AMPD2 protein (p.His636Arg). This variant is present in population databases (rs539379857, gnomAD 0.01%). This variant has not been reported in the literature in individuals affected with AMPD2-related conditions. ClinVar contains an entry for this variant (Variation ID: 1370158). An algorithm developed to predict the effect of missense changes on protein structure and function (PolyPhen-2) suggests that this variant is likely to be tolerated. In summary, the available evidence is currently insufficient to determine the role of this variant in disease. Therefore, it has been classified as a Variant of Uncertain Significance.

GeneDx
Classification: Uncertain significance. Last evaluated: 2023-05-11. Review status: criteria provided, single submitter. Criteria: GeneDx Variant Classification Process June 2021. Collection method: clinical testing. Allele origin: germline. Affected: yes.
Comment: Not observed at significant frequency in large population cohorts (gnomAD); In silico analysis supports that this missense variant has a deleterious effect on protein structure/function; Has not been previously published as pathogenic or benign to our knowledge